The following is an entry in ClinVar:

ClinVar aggregate classification (germline): Uncertain significance. Review status: criteria provided, multiple submitters, no conflicts (2 of 4 stars). 2 submissions from 2 submitters: Uncertain significance (2). Last evaluated 2025-01-17.

Conditions:
Inborn genetic diseases. Identifiers: MedGen C0950123, MeSH D030342.

Allele frequency attached by ClinVar (database versions not stated): gnomAD exomes below 0.00001.
gnomAD v4.1: 1 of 1,613,852 alleles (0.000062%); highest among the groups gnomAD compares: Non-Finnish European, 0.000085%; no homozygotes.

Submissions (2):

Ambry Genetics
Classification: Uncertain significance for Inborn genetic diseases. Last evaluated: 2025-01-17. Review status: criteria provided, single submitter. Criteria: Ambry Variant Classification Scheme 2023. Collection method: clinical testing. Allele origin: germline.
Comment: The p.D820V variant (also known as c.2459A>T), located in coding exon 13 of the ASXL1 gene, results from an A to T substitution at nucleotide position 2459. The aspartic acid at codon 820 is replaced by valine, an amino acid with highly dissimilar properties. This amino acid position is conserved. In addition, this alteration is predicted to be tolerated by in silico analysis. Based on the available evidence, the clinical significance of this variant remains unclear.

Labcorp Genetics (formerly Invitae), Labcorp
Classification: Uncertain significance. Last evaluated: 2021-10-07. Review status: criteria provided, single submitter. Criteria: Invitae Variant Classification Sherloc (09022015). Collection method: clinical testing. Allele origin: germline.
Comment: This variant is not present in population databases (ExAC no frequency). In summary, the available evidence is currently insufficient to determine the role of this variant in disease. Therefore, it has been classified as a Variant of Uncertain Significance. Algorithms developed to predict the effect of missense changes on protein structure and function (SIFT, PolyPhen-2, Align-GVGD) all suggest that this variant is likely to be tolerated. This variant has not been reported in the literature in individuals affected with ASXL1-related conditions. This sequence change replaces aspartic acid with valine at codon 820 of the ASXL1 protein (p.Asp820Val). The aspartic acid residue is moderately conserved and there is a large physicochemical difference between aspartic acid and valine.

NM_015338.6(ASXL1):c.2459A>T (p.Asp820Val)

Gene: ASXL1 (ASXL transcriptional regulator 1; plus strand). Cytogenetic location: 20q11.21.
Variant type: single nucleotide variant.
Coding change: c.2459A>T on transcript NM_015338.6 (MANE Select); coding-DNA position 2459, A replaced by T.
Protein change: p.Asp820Val; replaces aspartic acid 820 with valine.
Molecular consequence: missense variant.
Genome position (GRCh38, 1-based): chr20:32,435,171, A>T. VCF-style: chr20-32435171-A-T. GRCh37 (hg19) VCF-style: chr20-31022974-A-T.
Other names: c.2276A>T, p.Asp759Val (NM_001363734.1); c.2459A>T (NM_015338.5); short protein forms D820V, D759V.
Identifiers: ClinVar variation 1385112 (VCV001385112.7), dbSNP rs1285319437, ClinGen allele CA408559855.